The following is an entry in ClinVar:

NM_000744.7(CHRNA4):c.295_310del (p.Arg99fs)

Genes: CHRNA4 (cholinergic receptor nicotinic alpha 4 subunit; minus strand), LOC126863087 (P300/CBP strongly-dependent group 1 enhancer GRCh37_chr20:61986832-61988031; plus strand). Cytogenetic location: 20q13.33.
Variant type: Deletion.
Coding change: c.295_310del on transcript NM_000744.7 (MANE Select); coding-DNA positions 295 to 310, 16 bases deleted (CGCTGGGACCCAGCTG).
Protein change: p.Arg99fs; shifts the reading frame from arginine 99.
Molecular consequence: frameshift variant. On other transcripts: 5 prime UTR variant (1), non-coding transcript variant (1).
Genome position (GRCh38, 1-based): chr20:63,356,048-63,356,063, CAGCTGGGTCCCAGCG deleted on the plus strand (CGCTGGGACCCAGCTG on the coding strand, the reverse complement: CHRNA4 is on the minus strand); deleting any 16 consecutive bases within chr20:63,356,048-63,356,068 gives the same sequence; the c. name uses the placement nearest the transcript's 3' end. VCF-style (leftmost placement, unchanged base first): chr20-63356047-TCAGCTGGGTCCCAGCG-T. GRCh37 (hg19) VCF-style: chr20-61987399-TCAGCTGGGTCCCAGCG-T.
Other names: c.-252_-237del (NM_001256573.2); c.295_310del16 (NM_000744.7); short protein forms R99fs.
Identifiers: ClinVar variation 3768959 (VCV003768959.1).
Genomic context (GRCh38, chr20:63,356,047, plus strand): 5'-ACGATGTCCGGCCGCCAGATGAGCTCGGAGGGGATGCGGATGGAGGTGACATTCTCATAG[TCAGCTGGGTCCCAGCG>T]CAGCTTGTAGTCGTGCCACTCCTGGATGAGGTGGGGCGGGGGGAGGCTGCAGGGTGAGGG-3'

ClinVar aggregate classification (germline): Uncertain significance (1 of 4 stars; one submission).

Submission:

Women's Health and Genetics/Laboratory Corporation of America, LabCorp
Classification: Uncertain significance. Last evaluated: 2025-02-19. Review status: criteria provided, single submitter. Criteria: LabCorp Variant Classification Summary - May 2015. Collection method: clinical testing. Allele origin: germline.
Comment: Variant summary: CHRNA4 c.295_310del16 (p.Arg99ThrfsX35) results in a premature termination codon, predicted to cause a truncation of the encoded protein or absence of the protein due to nonsense mediated decay, however current evidence is not sufficient to establish loss of function as a mechanism for disease. The variant was absent in 249224 control chromosomes. The available data on variant occurrences in the general population are insufficient to allow any conclusion about variant significance. To our knowledge, no occurrence of c.295_310del16 in individuals affected with Epilepsy, Nocturnal Frontal Lobe, Type 1 and no experimental evidence demonstrating its impact on protein function have been reported. No submitters have cited clinical-significance assessments for this variant to ClinVar. Based on the evidence outlined above, the variant was classified as uncertain significance.